The following is an entry in ClinVar:

NM_017780.4(CHD7):c.1621C>T (p.His541Tyr)

Gene: CHD7 (chromodomain helicase DNA binding protein 7; plus strand). Cytogenetic location: 8q12.2.
Variant type: single nucleotide variant.
Coding change: c.1621C>T on transcript NM_017780.4 (MANE Select); coding-DNA position 1621, C replaced by T.
Protein change: p.His541Tyr; replaces histidine 541 with tyrosine.
Molecular consequence: missense variant.
Genome position (GRCh38, 1-based): chr8:60,743,053, C>T. VCF-style: chr8-60743053-C-T. GRCh37 (hg19) VCF-style: chr8-61655612-C-T.
Other names: c.1621C>T, p.His541Tyr (NM_001316690.1); short protein forms H541Y.
Identifiers: ClinVar variation 3637091 (VCV003637091.2).

ClinVar aggregate classification (germline): Uncertain significance (1 of 4 stars; one submission).

Conditions:
CHARGE syndrome (CHARGE). Also called: Hittner Hirsch Kreh syndrome; CHARGE ASSOCIATION--COLOBOMA, HEART ANOMALY, CHOANAL ATRESIA, RETARDATION, GENITAL AND EAR ANOMALIES; Coloboma, heart anomaly, choanal atresia, retardation, genital and ear anomalies; CHARGE association; Hall-Hittner syndrome. Identifiers: Orphanet 138, MedGen C0265354, MONDO:0008965.

Submission:

Labcorp Genetics (formerly Invitae), Labcorp
Classification: Uncertain significance for CHARGE syndrome. Last evaluated: 2025-05-02. Review status: criteria provided, single submitter. Criteria: Invitae Variant Classification Sherloc (09022015). Collection method: clinical testing. Allele origin: germline.
Comment: This sequence change replaces histidine, which is basic and polar, with tyrosine, which is neutral and polar, at codon 541 of the CHD7 protein (p.His541Tyr). This variant is not present in population databases (gnomAD no frequency). This variant has not been reported in the literature in individuals affected with CHD7-related conditions. ClinVar contains an entry for this variant (Variation ID: 3637091). Invitae Evidence Modeling of protein sequence and biophysical properties (such as structural, functional, and spatial information, amino acid conservation, physicochemical variation, residue mobility, and thermodynamic stability) indicates that this missense variant is not expected to disrupt CHD7 protein function with a negative predictive value of 95%. In summary, the available evidence is currently insufficient to determine the role of this variant in disease. Therefore, it has been classified as a Variant of Uncertain Significance.